The following is an entry in ClinVar:

ClinVar aggregate classification (germline): Uncertain significance. Review status: criteria provided, multiple submitters, no conflicts (2 of 4 stars). 3 submissions from 3 submitters: Uncertain significance (3). Last evaluated 2025-03-03.

Conditions:
Inborn genetic diseases. Identifiers: MedGen C0950123, MeSH D030342.

Allele frequency attached by ClinVar (database versions not stated): gnomAD exomes below 0.00001; TOPMed 0.00001.
gnomAD v4.1: 2 of 1,614,010 alleles (0.00012%); highest among the groups gnomAD compares: East Asian, 0.0045%; no homozygotes.

Submissions (3):

Ambry Genetics
Classification: Uncertain significance for Inborn genetic diseases. Last evaluated: 2025-03-03. Review status: criteria provided, single submitter. Criteria: Ambry Variant Classification Scheme 2023. Collection method: clinical testing. Allele origin: germline.

Labcorp Genetics (formerly Invitae), Labcorp
Classification: Uncertain significance. Last evaluated: 2022-09-06. Review status: criteria provided, single submitter. Criteria: Invitae Variant Classification Sherloc (09022015). Collection method: clinical testing. Allele origin: germline.
Comment: This sequence change replaces isoleucine, which is neutral and non-polar, with valine, which is neutral and non-polar, at codon 1377 of the ABCA4 protein (p.Ile1377Val). This variant is present in population databases (no rsID available, gnomAD 0.006%). This variant has not been reported in the literature in individuals affected with ABCA4-related conditions. ClinVar contains an entry for this variant (Variation ID: 866769). Algorithms developed to predict the effect of missense changes on protein structure and function are either unavailable or do not agree on the potential impact of this missense change (SIFT: "Deleterious"; PolyPhen-2: "Benign"; Align-GVGD: "Class C25"). In summary, the available evidence is currently insufficient to determine the role of this variant in disease. Therefore, it has been classified as a Variant of Uncertain Significance.

Blueprint Genetics
Classification: Uncertain significance. Last evaluated: 2018-05-23. Review status: criteria provided, single submitter. Criteria: ACMG Guidelines, 2015. Collection method: clinical testing. Allele origin: germline.

NM_000350.3(ABCA4):c.4129A>G (p.Ile1377Val)

Gene: ABCA4 (ATP binding cassette subfamily A member 4; minus strand). Cytogenetic location: 1p22.1.
Variant type: single nucleotide variant.
Coding change: c.4129A>G on transcript NM_000350.3 (MANE Select); coding-DNA position 4129, A replaced by G.
Protein change: p.Ile1377Val; replaces isoleucine 1377 with valine.
Molecular consequence: missense variant.
Genome position (GRCh38, 1-based): chr1:94,031,120, T>C on the plus strand (A>G on the coding strand, the complement: ABCA4 is on the minus strand). VCF-style: chr1-94031120-T-C. GRCh37 (hg19) VCF-style: chr1-94496676-T-C.
Other names: c.3907A>G, p.Ile1303Val (NM_001425324.1); short protein forms I1377V, I1303V.
Identifiers: ClinVar variation 866769 (VCV000866769.8), dbSNP rs1327707460, ClinGen allele CA341286534.